The following is an entry in ClinVar:

ClinVar aggregate classification (germline): Uncertain significance (1 of 4 stars; one submission).

Conditions:
Joubert syndrome. Also called: CEREBELLOPARENCHYMAL DISORDER IV; JOUBERT-BOLTSHAUSER SYNDROME; Familial aplasia of the vermis. Identifiers: Orphanet 475, MedGen C5979921, MONDO:0018772.

Allele frequency attached by ClinVar (database versions not stated): ExAC 0.00001; gnomAD 0.00001; gnomAD exomes 0.00001; TOPMed 0.00002.
gnomAD v4.1: 7 of 1,612,882 alleles (0.00043%); highest among the groups gnomAD compares: South Asian, 0.0022%; no homozygotes.

Submission:

Labcorp Genetics (formerly Invitae), Labcorp
Classification: Uncertain significance for Joubert syndrome. Last evaluated: 2021-08-27. Review status: criteria provided, single submitter. Criteria: Invitae Variant Classification Sherloc (09022015). Collection method: clinical testing. Allele origin: germline.
Comment: This sequence change replaces arginine with tryptophan at codon 1181 of the AHI1 protein (p.Arg1181Trp). The arginine residue is weakly conserved and there is a moderate physicochemical difference between arginine and tryptophan. This variant is present in population databases (rs753932826, ExAC 0.006%). This variant has not been reported in the literature in individuals affected with AHI1-related conditions. Advanced modeling of protein sequence and biophysical properties (such as structural, functional, and spatial information, amino acid conservation, physicochemical variation, residue mobility, and thermodynamic stability) performed at Invitae indicates that this missense variant is not expected to disrupt AHI1 protein function. In summary, the available evidence is currently insufficient to determine the role of this variant in disease. Therefore, it has been classified as a Variant of Uncertain Significance.

NM_001134831.2(AHI1):c.3541C>T (p.Arg1181Trp)

Gene: AHI1 (Abelson helper integration site 1; minus strand). Cytogenetic location: 6q23.3.
Variant type: single nucleotide variant.
Coding change: c.3541C>T on transcript NM_001134831.2 (MANE Select); coding-DNA position 3541, C replaced by T.
Protein change: p.Arg1181Trp; replaces arginine 1181 with tryptophan.
Molecular consequence: missense variant. On other transcripts: intron variant (1).
Genome position (GRCh38, 1-based): chr6:135,290,470, G>A on the plus strand (C>T on the coding strand, the complement: AHI1 is on the minus strand). VCF-style: chr6-135290470-G-A. GRCh37 (hg19) VCF-style: chr6-135611608-G-A.
Other names: c.3541C>T, p.Arg1181Trp (NM_001134830.2, NM_001350503.2, NM_017651.5); c.3486-4823C>T (NM_001350504.2); short protein forms R1181W.
Identifiers: ClinVar variation 1375360 (VCV001375360.5), dbSNP rs753932826, ClinGen allele CA4011959.